The following is an entry in ClinVar:

ClinVar aggregate classification (germline): Likely benign. Review status: criteria provided, multiple submitters, no conflicts (2 of 4 stars). 10 submissions from 10 submitters: Likely benign (10). Last evaluated 2026-01-12.

Conditions:
Marfan syndrome (MFS). Also called: FBN1-Related Marfan Syndrome; MARFAN SYNDROME, TYPE I; Marfan syndrome, classic; Marfan syndrome type 1; Marfan's syndrome. Identifiers: Orphanet 284963, Orphanet 558, MedGen C0024796, MONDO:0007947, OMIM 154700.
Familial thoracic aortic aneurysm and aortic dissection (TAAD). Also called: Thoracic aortic aneurysms and dissections. Identifiers: Orphanet 91387, MedGen C4707243, MONDO:0019625.

Allele frequency attached by ClinVar (database versions not stated): gnomAD exomes 0.00007 and 0.00013; ExAC 0.00008; ESP Exome Variant Server 0.00008; gnomAD 0.00009; TOPMed 0.00009.
gnomAD v4.1: 196 of 1,614,124 alleles (0.012%); highest among the groups gnomAD compares: Non-Finnish European, 0.015%; no homozygotes.

Submissions (10):

Labcorp Genetics (formerly Invitae), Labcorp
Classification: Likely benign for Marfan syndrome; Familial thoracic aortic aneurysm and aortic dissection. Last evaluated: 2026-01-12. Review status: criteria provided, single submitter. Criteria: Invitae Variant Classification Sherloc (09022015). Collection method: clinical testing. Allele origin: germline.

CeGaT Center for Human Genetics Tuebingen
Classification: Likely benign. Last evaluated: 2025-11-01. Review status: criteria provided, single submitter. Criteria: CeGaT Center For Human Genetics Tuebingen Variant Classification Criteria Version 2. Collection method: clinical testing. Allele origin: germline. Affected: yes. Observed: 1 variant allele.
Comment: FBN1: BP4, BP7

Molecular Diagnostic Laboratory for Inherited Cardiovascular Disease, Montreal Heart Institute
Classification: Likely benign. Last evaluated: 2025-04-09. Review status: criteria provided, single submitter. Criteria: ACMG Guidelines, 2015. Collection method: clinical testing. Allele origin: germline. Affected: no.

Blueprint Genetics
Classification: Likely benign. Last evaluated: 2024-05-10. Review status: criteria provided, single submitter. Criteria: ACMG Guidelines, 2015. Collection method: clinical testing. Allele origin: germline.

All of Us Research Program, National Institutes of Health
Classification: Likely benign for Marfan syndrome. Last evaluated: 2024-02-05. Review status: criteria provided, single submitter. Criteria: ACMG Guidelines, 2015. Collection method: clinical testing. Allele origin: germline. Inheritance: Autosomal dominant inheritance. Observed: 23 variant alleles, 23 heterozygotes.
Comment: This study involves interpretation of variants in research participants for the purpose of population health screening. Participant phenotype was not available at the time of variant classification. Additional details can be found in publication PMID: 35346344, PMCID: PMC8962531

Ambry Genetics
Classification: Likely benign for Familial thoracic aortic aneurysm and aortic dissection. Last evaluated: 2022-03-23. Review status: criteria provided, single submitter. Criteria: Ambry Variant Classification Scheme 2023. Collection method: clinical testing. Allele origin: germline.

Women's Health and Genetics/Laboratory Corporation of America, LabCorp
Classification: Likely benign. Last evaluated: 2021-06-07. Review status: criteria provided, single submitter. Criteria: LabCorp Variant Classification Summary - May 2015. Collection method: clinical testing. Allele origin: germline.

GeneDx
Classification: Likely benign. Last evaluated: 2021-05-27. Review status: criteria provided, single submitter. Criteria: GeneDx Variant Classification Process June 2021. Collection method: clinical testing. Allele origin: germline. Affected: yes.

Color Diagnostics, LLC DBA Color Health
Classification: Likely benign for Familial thoracic aortic aneurysm and aortic dissection. Last evaluated: 2018-11-21. Review status: criteria provided, single submitter. Criteria: ACMG Guidelines, 2015. Collection method: clinical testing. Allele origin: germline.

Center for Human Genetics, Inc
Classification: Likely benign for Marfan syndrome. Last evaluated: 2016-11-01. Review status: criteria provided, single submitter. Criteria: ACMG Guidelines, 2015. Collection method: clinical testing. Allele origin: germline. Affected: yes.

NM_000138.5(FBN1):c.942A>G (p.Lys314=)

Gene: FBN1 (fibrillin 1; minus strand). Cytogenetic location: 15q21.1.
Variant type: single nucleotide variant.
Coding change: c.942A>G on transcript NM_000138.5 (MANE Select); coding-DNA position 942, A replaced by G.
Protein change: p.Lys314=; no amino-acid change (lysine 314 retained).
Molecular consequence: synonymous variant.
Genome position (GRCh38, 1-based): chr15:48,526,176, T>C on the plus strand (A>G on the coding strand, the complement: FBN1 is on the minus strand). VCF-style: chr15-48526176-T-C. GRCh37 (hg19) VCF-style: chr15-48818373-T-C.
Identifiers: ClinVar variation 413891 (VCV000413891.37), dbSNP rs376965275, ClinGen allele CA060380.
Genomic context (GRCh38, chr15:48,526,176, plus strand): 5'-GTCATTAAACCTACCTATGCATCTGGTACCATCTGGAGAGGTGTAAAAACCAGGGGGACA[T>C]TTGCAAAAGTAACTGCTGACTGTGTTTGTACATTCACCCCCTTCACAGATTCCAGGAATG-3'
Protein context (NP_000129.3, residues 304-324): CTNTVSSYFC[Lys314=]CPPGFYTSPD